The following is an entry in ClinVar:

ClinVar aggregate classification (germline): Uncertain significance (1 of 4 stars; one submission).

Submission:

Labcorp Genetics (formerly Invitae), Labcorp
Classification: Uncertain significance. Last evaluated: 2025-07-29. Review status: criteria provided, single submitter. Criteria: Invitae Variant Classification Sherloc (09022015). Collection method: clinical testing. Allele origin: germline.
Comment: This sequence change replaces glycine, which is neutral and non-polar, with aspartic acid, which is acidic and polar, at codon 226 of the ATP2B2 protein (p.Gly226Asp). This variant is not present in population databases (gnomAD no frequency). This variant has not been reported in the literature in individuals affected with ATP2B2-related conditions. Invitae Evidence Modeling of protein sequence and biophysical properties (such as structural, functional, and spatial information, amino acid conservation, physicochemical variation, residue mobility, and thermodynamic stability) indicates that this missense variant is expected to disrupt ATP2B2 protein function with a positive predictive value of 80%. In summary, the available evidence is currently insufficient to determine the role of this variant in disease. Therefore, it has been classified as a Variant of Uncertain Significance.

NM_001001331.4(ATP2B2):c.677G>A (p.Gly226Asp)

Gene: ATP2B2 (ATPase plasma membrane Ca2+ transporting 2; minus strand). Cytogenetic location: 3p25.3.
Variant type: single nucleotide variant.
Coding change: c.677G>A on transcript NM_001001331.4 (MANE Select); coding-DNA position 677, G replaced by A.
Protein change: p.Gly226Asp; replaces glycine 226 with aspartic acid.
Molecular consequence: missense variant.
Genome position (GRCh38, 1-based): chr3:10,401,057, C>T on the plus strand (G>A on the coding strand, the complement: ATP2B2 is on the minus strand). VCF-style: chr3-10401057-C-T. GRCh37 (hg19) VCF-style: chr3-10442741-C-T.
Other names: c.677G>A, p.Gly226Asp (NM_001330611.3, NM_001353564.1, NM_001363862.1 and 3 more transcripts); short protein forms G226D.
Identifiers: ClinVar variation 4740252 (VCV004740252.1).